The following is an entry in ClinVar:

NM_032578.4(MYPN):c.94_95del (p.Arg32fs)

Gene: MYPN (myopalladin; plus strand). Cytogenetic location: 10q21.3.
Variant type: Microsatellite.
Coding change: c.94_95del on transcript NM_032578.4 (MANE Select); coding-DNA positions 94 to 95, 2 bases deleted (AG; older notation c.94_95delAG).
Protein change: p.Arg32fs; shifts the reading frame from arginine 32.
Molecular consequence: frameshift variant. On other transcripts: 5 prime UTR variant (1), non-coding transcript variant (1).
Genome position (GRCh38, 1-based): chr10:68,121,532-68,121,533, AG deleted; deleting any 2 consecutive bases within chr10:68,121,529-68,121,533 gives the same sequence; the c. name uses the placement nearest the transcript's 3' end. VCF-style (leftmost placement, unchanged base first): chr10-68121528-TGA-T. GRCh37 (hg19) VCF-style: chr10-69881285-TGA-T.
Other names: c.94_95del, p.Arg32fs (NM_001256267.2); c.-1031AG[1] (NM_001256268.2); short protein forms R32fs.
Identifiers: ClinVar variation 1766860 (VCV001766860.6), dbSNP rs1401491606, ClinGen allele CA594256669.

ClinVar aggregate classification (germline): Conflicting classifications of pathogenicity. Review status: criteria provided, conflicting classifications (1 of 4 stars). 4 submissions from 4 submitters: Pathogenic (1); Likely pathogenic (2); Uncertain significance (1). Last evaluated 2026-02-04.

Conditions:
Dilated cardiomyopathy 1KK (CMD1KK). Identifiers: Orphanet 154, Orphanet 75249, MedGen C3714995, MONDO:0014100, OMIM 615248.
MYPN-related myopathy (CMYO24). Also called: Nemaline myopathy 11, autosomal recessive. Identifiers: MedGen C4479186, MONDO:0015023, OMIM 617336.
Cardiovascular phenotype. Identifiers: MedGen CN230736.

Submissions (4):

Dasa
Classification: Likely pathogenic. Last evaluated: 2026-02-04. Review status: criteria provided, single submitter. Criteria: DASA Assertion Criteria. Collection method: clinical testing. Allele origin: germline.
Comment: NM_032578.4(MYPN):c.94_95del (p.Arg32Glufs*20) is a frameshift variant in MYPN predicted to alter the reading frame and introduce a premature termination codon and is predicted to result in an absent or altered protein product. Loss of function is an established disease mechanism for MYPN-associated disorders. Also, this variant is rare in population databases. Based on the currently available evidence, this variant is classified as likely pathogenic.

Labcorp Genetics (formerly Invitae), Labcorp
Classification: Pathogenic for Dilated cardiomyopathy 1KK. Last evaluated: 2025-03-24. Review status: criteria provided, single submitter. Criteria: Invitae Variant Classification Sherloc (09022015). Collection method: clinical testing. Allele origin: germline.
Comment: This sequence change creates a premature translational stop signal (p.Arg32Glufs*20) in the MYPN gene. It is expected to result in an absent or disrupted protein product. Loss-of-function variants in MYPN are known to be pathogenic (PMID: 28017374). This variant is present in population databases (no rsID available, gnomAD 0.002%). This variant has not been reported in the literature in individuals affected with MYPN-related conditions. For these reasons, this variant has been classified as Pathogenic.

Department of Pathology and Laboratory Medicine, Sinai Health System
Classification: Likely pathogenic for Dilated cardiomyopathy 1KK; MYPN-related myopathy. Last evaluated: 2022-10-14. Review status: criteria provided, single submitter. Criteria: ACMG Guidelines, 2015. Collection method: research. Allele origin: germline.

Ambry Genetics
Classification: Uncertain significance for Cardiovascular phenotype. Last evaluated: 2021-09-03. Review status: criteria provided, single submitter. Criteria: Ambry Variant Classification Scheme 2023. Collection method: clinical testing. Allele origin: germline.
Comment: The c.94_95delAG variant, located in coding exon 1 of the MYPN gene, results from a deletion of two nucleotides at nucleotide positions 94 to 95, causing a translational frameshift with a predicted alternate stop codon (p.R32Efs*20). This alteration is expected to result in loss of function by premature protein truncation or nonsense-mediated mRNA decay. However, this region of the MYPN gene is excluded from other biologically relevant MYPN transcripts. Since supporting evidence is limited at this time, the clinical significance of this alteration remains unclear.

Literature cited by the submitters: PubMed 28017374 (cited by Labcorp Genetics (formerly Invitae), Labcorp).